The following is an entry in ClinVar:

NM_001848.3(COL6A1):c.1776+188T>C

Gene: COL6A1 (collagen type VI alpha 1 chain; plus strand). Cytogenetic location: 21q22.3.
Variant type: single nucleotide variant.
Coding change: c.1776+188T>C on transcript NM_001848.3 (MANE Select); 188 bases into the intron after coding-DNA position 1776, T replaced by C.
Molecular consequence: intron variant.
Genome position (GRCh38, 1-based): chr21:45,999,880, T>C. VCF-style: chr21-45999880-T-C. GRCh37 (hg19) VCF-style: chr21-47419794-T-C.
Identifiers: ClinVar variation 679952 (VCV000679952.2), dbSNP rs8126900, ClinGen allele CA15981712.

ClinVar aggregate classification (germline): Benign. Review status: criteria provided, multiple submitters, no conflicts (2 of 4 stars). 2 submissions from 2 submitters: Benign (2). Last evaluated 2018-06-14.

Allele frequency attached by ClinVar (database versions not stated): 1000 Genomes Project 0.82228; 1000 Genomes Project 30x 0.89210; gnomAD 0.92707.

Submissions (2):

GeneDx
Classification: Benign. Last evaluated: 2018-06-14. Review status: criteria provided, single submitter. Criteria: GeneDx Variant Classification (06012015). Collection method: clinical testing. Allele origin: germline. Affected: yes.
Comment: This variant is considered likely benign or benign based on one or more of the following criteria: it is a conservative change, it occurs at a poorly conserved position in the protein, it is predicted to be benign by multiple in silico algorithms, and/or has population frequency not consistent with disease.

Breakthrough Genomics
Classification: Benign. Review status: criteria provided, single submitter. Criteria: ACMG Guidelines, 2015. Collection method: not provided. Allele origin: germline. Inheritance: Autosomal recessive inheritance. Affected: yes.